The following is an entry in ClinVar:

ClinVar aggregate classification (germline): Uncertain significance (1 of 4 stars; one submission).

Conditions:
Long QT syndrome (LQTS). Identifiers: MedGen C0023976, MeSH D008133, MONDO:0002442. Disease mechanism: loss of function. Inheritance: Various modes of inheritance.

gnomAD v4.1: 5 of 1,613,656 alleles (0.00031%); highest among the groups gnomAD compares: Non-Finnish European, 0.00042%; no homozygotes.

Submission:

Labcorp Genetics (formerly Invitae), Labcorp
Classification: Uncertain significance for Long QT syndrome. Last evaluated: 2025-02-04. Review status: criteria provided, single submitter. Criteria: Invitae Variant Classification Sherloc (09022015). Collection method: clinical testing. Allele origin: germline.
Comment: This sequence change replaces arginine, which is basic and polar, with serine, which is neutral and polar, at codon 3476 of the AKAP9 protein (p.Arg3476Ser). This variant is present in population databases (rs774562127, gnomAD 0.003%). This variant has not been reported in the literature in individuals affected with AKAP9-related conditions. An algorithm developed to predict the effect of missense changes on protein structure and function (PolyPhen-2) suggests that this variant is likely to be disruptive. In summary, the available evidence is currently insufficient to determine the role of this variant in disease. Therefore, it has been classified as a Variant of Uncertain Significance.

NM_005751.5(AKAP9):c.10428A>T (p.Arg3476Ser)

Gene: AKAP9 (A-kinase anchoring protein 9; plus strand). Cytogenetic location: 7q21.2.
Variant type: single nucleotide variant.
Coding change: c.10428A>T on transcript NM_005751.5 (MANE Select); coding-DNA position 10428, A replaced by T.
Protein change: p.Arg3476Ser; replaces arginine 3476 with serine.
Molecular consequence: missense variant.
Genome position (GRCh38, 1-based): chr7:92,097,615, A>T. VCF-style: chr7-92097615-A-T. GRCh37 (hg19) VCF-style: chr7-91726929-A-T.
Other names: c.5073A>T, p.Arg1691Ser (NM_001379277.1); c.10404A>T, p.Arg3468Ser (NM_147185.3); short protein forms R1691S, R3468S, R3476S.
Identifiers: ClinVar variation 4752198 (VCV004752198.1).